The following is an entry in ClinVar:

NM_001039591.3(USP9X):c.2746C>T (p.Arg916Ter)

Gene: USP9X (ubiquitin specific peptidase 9 X-linked; plus strand). Cytogenetic location: Xp11.4.
Variant type: single nucleotide variant.
Coding change: c.2746C>T on transcript NM_001039591.3 (MANE Select); coding-DNA position 2746, C replaced by T.
Protein change: p.Arg916Ter; replaces arginine 916 with a stop codon.
Molecular consequence: nonsense.
Genome position (GRCh38, 1-based): chrX:41,170,104, C>T. VCF-style: chrX-41170104-C-T. GRCh37 (hg19) VCF-style: chrX-41029357-C-T.
Other names: c.2746C>T, p.Arg916Ter (NM_001039590.3); c.2761C>T, p.Arg921Ter (NM_001410748.1, NM_001410749.1); short protein forms R916*, R921*.
Identifiers: ClinVar variation 3764643 (VCV003764643.2).
Genomic context (GRCh38, chrX:41,170,104, plus strand): 5'-GGCAGACAGGTTGATGACTTGGAGGTATGGTCTCATACAAATGATACAATTGGTTCAGTA[C>T]GACGATGTATTCTCAATCGTATTAAAGCCAACGTAGCCCATACAAAAATTGAGCTCTTTG-3'

ClinVar aggregate classification (germline): Pathogenic. Review status: criteria provided, multiple submitters, no conflicts (2 of 4 stars). 2 submissions from 2 submitters: Pathogenic (2). Last evaluated 2025-07-15.

Conditions:
Intellectual developmental disorder, X-linked 99, syndromic, female-restricted. Also called: Intellectual disability, X-linked 99, syndromic, female-restricted. Identifiers: MedGen C4225416, MONDO:0010502, OMIM 300968.

Submissions (2):

Labcorp Genetics (formerly Invitae), Labcorp
Classification: Pathogenic. Last evaluated: 2025-07-15. Review status: criteria provided, single submitter. Criteria: Invitae Variant Classification Sherloc (09022015). Collection method: clinical testing. Allele origin: germline.
Comment: This sequence change creates a premature translational stop signal (p.Arg916*) in the USP9X gene. It is expected to result in an absent or disrupted protein product. Loss-of-function variants in USP9X are known to be pathogenic (PMID: 26833328, 28377321). This variant is not present in population databases (gnomAD no frequency). This variant has not been reported in the literature in individuals affected with USP9X-related conditions. ClinVar contains an entry for this variant (Variation ID: 3764643). Algorithms developed to predict the effect of sequence changes on RNA splicing suggest that this variant may disrupt the consensus splice site. For these reasons, this variant has been classified as Pathogenic.

Daryl Scott Lab, Baylor College of Medicine
Classification: Pathogenic for Intellectual developmental disorder, X-linked 99, syndromic, female-restricted. Last evaluated: 2024-01-01. Review status: criteria provided, single submitter. Criteria: ACMG Guidelines, 2015. Collection method: clinical testing. Allele origin: unknown. Affected: yes. Observed: 1 heterozygote.
Comment: PVS1, PM2

Literature cited by the submitters: PubMed 26833328 (cited by Labcorp Genetics (formerly Invitae), Labcorp); PubMed 28377321 (cited by Labcorp Genetics (formerly Invitae), Labcorp).